The following is an entry in ClinVar:

ClinVar aggregate classification (germline): Uncertain significance. Review status: criteria provided, multiple submitters, no conflicts (2 of 4 stars). 2 submissions from 2 submitters: Uncertain significance (2). Last evaluated 2026-01-06.

Conditions:
Hereditary cancer-predisposing syndrome. Also called: Hereditary Cancer Syndrome; Hereditary neoplastic syndrome; Neoplastic Syndromes, Hereditary; Tumor predisposition. Identifiers: Orphanet 140162, MedGen C0027672, MeSH D009386, MONDO:0015356.
Hereditary diffuse gastric adenocarcinoma (HDGC). Also called: DIFFUSE GASTRIC AND LOBULAR BREAST CANCER SYNDROME. Identifiers: Orphanet 26106, MedGen C1708349, MONDO:0007648, OMIM 137215.

Submissions (2):

Labcorp Genetics (formerly Invitae), Labcorp
Classification: Uncertain significance for Hereditary diffuse gastric adenocarcinoma. Last evaluated: 2026-01-06. Review status: criteria provided, single submitter. Criteria: Invitae Variant Classification Sherloc (09022015). Collection method: clinical testing. Allele origin: germline.
Comment: This sequence change replaces threonine, which is neutral and polar, with serine, which is neutral and polar, at codon 399 of the CDH1 protein (p.Thr399Ser). This variant is not present in population databases (gnomAD no frequency). This variant has not been reported in the literature in individuals affected with CDH1-related conditions. ClinVar contains an entry for this variant (Variation ID: 3488652). An algorithm developed to predict the effect of missense changes on protein structure and function (PolyPhen-2) suggests that this variant is likely to be tolerated. In summary, the available evidence is currently insufficient to determine the role of this variant in disease. Therefore, it has been classified as a Variant of Uncertain Significance.

Ambry Genetics
Classification: Uncertain significance for Hereditary cancer-predisposing syndrome. Last evaluated: 2024-09-09. Review status: criteria provided, single submitter. Criteria: Ambry Variant Classification Scheme 2023. Collection method: clinical testing. Allele origin: germline.
Comment: The p.T399S variant (also known as c.1196C>G), located in coding exon 9 of the CDH1 gene, results from a C to G substitution at nucleotide position 1196. The threonine at codon 399 is replaced by serine, an amino acid with similar properties. This amino acid position is conserved. In addition, the in silico prediction for this alteration is inconclusive. Based on the available evidence, the clinical significance of this variant remains unclear.

NM_004360.5(CDH1):c.1196C>G (p.Thr399Ser)

Gene: CDH1 (cadherin 1; plus strand). Cytogenetic location: 16q22.1.
Variant type: single nucleotide variant.
Coding change: c.1196C>G on transcript NM_004360.5 (MANE Select); coding-DNA position 1196, C replaced by G.
Protein change: p.Thr399Ser; replaces threonine 399 with serine.
Molecular consequence: missense variant. On other transcripts: 5 prime UTR variant (2), intron variant (1).
Genome position (GRCh38, 1-based): chr16:68,813,371, C>G. VCF-style: chr16-68813371-C-G. GRCh37 (hg19) VCF-style: chr16-68847274-C-G.
Other names: c.-420C>G (NM_001317185.2); c.-624C>G (NM_001317186.2); c.1137+1108C>G (NM_001317184.2); short protein forms T399S.
Identifiers: ClinVar variation 3488652 (VCV003488652.2).
Genomic context (GRCh38, chr16:68,813,371, plus strand): 5'-AGTACAAGGGTCAGGTGCCTGAGAACGAGGCTAACGTCGTAATCACCACACTGAAAGTGA[C>G]TGATGCTGATGCCCCCAATACCCCAGCGTGGGAGGCTGTATACACCATATTGAATGATGA-3'
Protein context (NP_004351.1, residues 389-409): ANVVITTLKV[Thr399Ser]DADAPNTPAW